The following is an entry in ClinVar:

NM_000285.4(PEPD):c.1168G>A (p.Asp390Asn)

Gene: PEPD (peptidase D; minus strand). Cytogenetic location: 19q13.11.
Variant type: single nucleotide variant.
Coding change: c.1168G>A on transcript NM_000285.4 (MANE Select); coding-DNA position 1168, G replaced by A.
Protein change: p.Asp390Asn; replaces aspartic acid 390 with asparagine.
Molecular consequence: missense variant.
Genome position (GRCh38, 1-based): chr19:33,388,066, C>T on the plus strand (G>A on the coding strand, the complement: PEPD is on the minus strand). VCF-style: chr19-33388066-C-T. GRCh37 (hg19) VCF-style: chr19-33878972-C-T.
Other names: c.1045G>A, p.Asp349Asn (NM_001166056.2); c.976G>A, p.Asp326Asn (NM_001166057.2); short protein forms D390N, D326N, D349N.
Identifiers: ClinVar variation 1493679 (VCV001493679.4), dbSNP rs377199331, ClinGen allele CA9363967.

ClinVar aggregate classification (germline): Uncertain significance. Review status: criteria provided, multiple submitters, no conflicts (2 of 4 stars). 2 submissions from 2 submitters: Uncertain significance (2). Last evaluated 2024-08-08.

Allele frequency attached by ClinVar (database versions not stated): gnomAD 0.00001; TOPMed 0.00002; gnomAD exomes 0.00004; ExAC 0.00012.
gnomAD v4.1: 53 of 1,549,994 alleles (0.0034%); highest among the groups gnomAD compares: Non-Finnish European, 0.0044%; no homozygotes.

Submissions (2):

Blueprint Genetics
Classification: Uncertain significance. Last evaluated: 2024-08-08. Review status: criteria provided, single submitter. Criteria: ACMG Guidelines, 2015. Collection method: clinical testing. Allele origin: germline.

Labcorp Genetics (formerly Invitae), Labcorp
Classification: Uncertain significance. Last evaluated: 2022-10-13. Review status: criteria provided, single submitter. Criteria: Invitae Variant Classification Sherloc (09022015). Collection method: clinical testing. Allele origin: germline.
Comment: This sequence change replaces aspartic acid, which is acidic and polar, with asparagine, which is neutral and polar, at codon 390 of the PEPD protein (p.Asp390Asn). This variant is present in population databases (rs377199331, gnomAD 0.01%). This variant has not been reported in the literature in individuals affected with PEPD-related conditions. ClinVar contains an entry for this variant (Variation ID: 1493679). Algorithms developed to predict the effect of missense changes on protein structure and function (SIFT, PolyPhen-2, Align-GVGD) all suggest that this variant is likely to be tolerated. In summary, the available evidence is currently insufficient to determine the role of this variant in disease. Therefore, it has been classified as a Variant of Uncertain Significance.